The following is an entry in ClinVar:

NM_004958.4(MTOR):c.4885A>C (p.Ile1629Leu)

Gene: MTOR (mechanistic target of rapamycin kinase; minus strand). Cytogenetic location: 1p36.22.
Variant type: single nucleotide variant.
Coding change: c.4885A>C on transcript NM_004958.4 (MANE Select); coding-DNA position 4885, A replaced by C.
Protein change: p.Ile1629Leu; replaces isoleucine 1629 with leucine.
Molecular consequence: missense variant.
Genome position (GRCh38, 1-based): chr1:11,139,646, T>G on the plus strand (A>C on the coding strand, the complement: MTOR is on the minus strand). VCF-style: chr1-11139646-T-G. GRCh37 (hg19) VCF-style: chr1-11199703-T-G.
Other names: c.4885A>C, p.Ile1629Leu (NM_001386500.1); c.3637A>C, p.Ile1213Leu (NM_001386501.1); short protein forms I1629L, I1213L.
Identifiers: ClinVar variation 3002721 (VCV003002721.3), dbSNP rs1182792363, ClinGen allele CA338402491.

ClinVar aggregate classification (germline): Uncertain significance (1 of 4 stars; one submission).

gnomAD v4.1: 41 of 1,614,226 alleles (0.0025%); highest among the groups gnomAD compares: Non-Finnish European, 0.0032%; no homozygotes.

Submission:

Labcorp Genetics (formerly Invitae), Labcorp
Classification: Uncertain significance. Last evaluated: 2022-11-14. Review status: criteria provided, single submitter. Criteria: Invitae Variant Classification Sherloc (09022015). Collection method: clinical testing. Allele origin: germline.
Comment: This variant is present in population databases (no rsID available, gnomAD 0.0009%). This variant has not been reported in the literature in individuals affected with MTOR-related conditions. Advanced modeling of protein sequence and biophysical properties (such as structural, functional, and spatial information, amino acid conservation, physicochemical variation, residue mobility, and thermodynamic stability) performed at Invitae indicates that this missense variant is not expected to disrupt MTOR protein function. In summary, the available evidence is currently insufficient to determine the role of this variant in disease. Therefore, it has been classified as a Variant of Uncertain Significance. This sequence change replaces isoleucine, which is neutral and non-polar, with leucine, which is neutral and non-polar, at codon 1629 of the MTOR protein (p.Ile1629Leu).